The following is an entry in ClinVar:

NM_000039.3(APOA1):c.467A>G (p.Gln156Arg)

Genes: APOA1 (apolipoprotein A1; minus strand), APOA1-AS (APOA1 antisense RNA; plus strand). Cytogenetic location: 11q23.3.
Variant type: single nucleotide variant.
Coding change: c.467A>G on transcript NM_000039.3 (MANE Select); coding-DNA position 467, A replaced by G.
Protein change: p.Gln156Arg; replaces glutamine 156 with arginine.
Molecular consequence: missense variant. On other transcripts: non-coding transcript variant (1), intron variant (1).
Genome position (GRCh38, 1-based): chr11:116,836,145, T>C on the plus strand (A>G on the coding strand, the complement: APOA1 is on the minus strand). VCF-style: chr11-116836145-T-C. GRCh37 (hg19) VCF-style: chr11-116706861-T-C.
Other names: c.467A>G, p.Gln156Arg (NM_001318017.2, NM_001318018.2, NM_001425090.1); c.140A>G, p.Gln47Arg (NM_001318021.2, NM_001425091.1, NM_001425092.1); c.427-5A>G (NM_001425093.1); short protein forms Q156R, Q47R.
Identifiers: ClinVar variation 4689631 (VCV004689631.1).

ClinVar aggregate classification (germline): Uncertain significance (1 of 4 stars; one submission).

gnomAD v4.1: 1 of 1,613,308 alleles (0.000062%); highest among the groups gnomAD compares: Admixed American, 0.0017%; no homozygotes.

Submission:

Women's Health and Genetics/Laboratory Corporation of America, LabCorp
Classification: Uncertain significance. Last evaluated: 2026-01-06. Review status: criteria provided, single submitter. Criteria: LabCorp Variant Classification Summary - May 2015. Collection method: clinical testing. Allele origin: germline.
Comment: Variant summary: APOA1 c.467A>G (p.Gln156Arg) results in a conservative amino acid change in the encoded protein sequence. Algorithms developed to predict the effect of missense changes on protein structure and function are either unavailable or do not agree on the potential impact of this missense change. The variant allele was found at a frequency of 4e-06 in 250352 control chromosomes. The available data on variant occurrences in the general population are insufficient to allow any conclusion about variant significance. To our knowledge, no occurrence of c.467A>G in individuals affected with APOA1-related conditions and no experimental evidence demonstrating its impact on protein function have been reported. No submitters have cited clinical-significance assessments for this variant to ClinVar. Based on the evidence outlined above, the variant was classified as uncertain significance.